The following is an entry in ClinVar:

NM_004006.3(DMD):c.2873C>A (p.Ser958Ter)

Gene: DMD (dystrophin; minus strand). Cytogenetic location: Xp21.1.
Variant type: single nucleotide variant.
Coding change: c.2873C>A on transcript NM_004006.3 (MANE Select); coding-DNA position 2873, C replaced by A.
Protein change: p.Ser958Ter; replaces serine 958 with a stop codon.
Molecular consequence: nonsense.
Genome position (GRCh38, 1-based): chrX:32,472,240, G>T on the plus strand (C>A on the coding strand, the complement: DMD is on the minus strand). VCF-style: chrX-32472240-G-T. GRCh37 (hg19) VCF-style: chrX-32490357-G-T.
Other names: c.2849C>A, p.Ser950Ter (NM_000109.4); c.2861C>A, p.Ser954Ter (NM_004009.3); c.2504C>A, p.Ser835Ter (NM_004010.3); short protein forms S835*, S950*, S954*, S958*.
Identifiers: ClinVar variation 1724180 (VCV001724180.3), dbSNP rs2148485357, ClinGen allele CA412668090.

ClinVar aggregate classification (germline): Likely pathogenic (1 of 4 stars; one submission).

Conditions:
Progressive muscular dystrophy. Identifiers: Orphanet 206644, MedGen C4551827, MONDO:0016106.

Submission:

Myriad Genetics, Inc.
Classification: Likely pathogenic for Progressive muscular dystrophy. Last evaluated: 2022-01-31. Review status: criteria provided, single submitter. Criteria: Myriad Autosomal Dominant, Autosomal Recessive and X-Linked Classification Criteria (2023). Collection method: clinical testing. Allele origin: unknown.
Comment: NM_004006.2(DMD):c.2873C>A(S958*) is expected to be pathogenic in the context of dystrophinopathy (including Duchenne/Becker muscular dystrophy). This variant is predicted to lead to an abnormal or absent protein product due to the creation of a premature termination codon in DMD, a gene where loss-of-function variants are known to be pathogenic. Please note: this variant was assessed in the context of healthy population screening.